The following is an entry in ClinVar:

NC_000003.12:g.169764617T>C

Gene: TERC (telomerase RNA component; minus strand). Cytogenetic location: 3q26.2.
Variant type: single nucleotide variant.
Genome position: GRCh38 VCF-style: chr3-169764617-T-C. GRCh37 (hg19) VCF-style: chr3-169482405-T-C.
Identifiers: ClinVar variation 580828 (VCV000580828.8), dbSNP rs1560578539, ClinGen allele CA436714710.

ClinVar aggregate classification (germline): Uncertain significance (1 of 4 stars; one submission).

Conditions:
Dyskeratosis congenita, autosomal dominant 1 (DKCA1). Also called: Dyskeratosis congenita Scoggins type. Identifiers: Orphanet 1775, MedGen C4551974, MONDO:0007485, OMIM 127550. Inheritance: Variable.

Submission:

Labcorp Genetics (formerly Invitae), Labcorp
Classification: Uncertain significance for Dyskeratosis congenita, autosomal dominant 1. Last evaluated: 2018-02-23. Review status: criteria provided, single submitter. Criteria: Invitae Variant Classification Sherloc (09022015). Collection method: clinical testing. Allele origin: germline.
Comment: In summary, this variant has uncertain impact on TERC function. The available evidence is currently insufficient to determine its role in disease. Therefore, it has been classified as a Variant of Uncertain Significance. This variant is located within the BoxH/ACA scaRNA domain of the TERC RNA component, which is required for telomerase activity (PMID: 21844345). Functional studies testing the effect of this variant on TERC secondary structure or function have not been reported. This variant is not present in population databases (ExAC no frequency). This sequence change occurs in the TERC gene, which encodes an RNA molecule that does not result in a protein product. TERC is a telomerase RNA template component required for telomeric DNA synthesis.

Literature cited by the submitters: PubMed 21844345.